The following is an entry in ClinVar:

NM_004655.4(AXIN2):c.*500T>G

Gene: AXIN2 (axin 2; minus strand). Cytogenetic location: 17q24.1.
Variant type: single nucleotide variant.
Coding change: c.*500T>G on transcript NM_004655.4 (MANE Select); 500 bases downstream of the stop codon, T replaced by G.
Molecular consequence: 3 prime UTR variant.
Genome position (GRCh38, 1-based): chr17:65,529,476, A>C on the plus strand (T>G on the coding strand, the complement: AXIN2 is on the minus strand). VCF-style: chr17-65529476-A-C. GRCh37 (hg19) VCF-style: chr17-63525594-A-C.
Other names: c.*500T>G (LRG_296t1, NM_001363813.1).
Identifiers: ClinVar variation 324635 (VCV000324635.5), dbSNP rs187274855, ClinGen allele CA10640327.

ClinVar aggregate classification (germline): Benign (1 of 4 stars; one submission).

Conditions:
Oligodontia-cancer predisposition syndrome. Also called: TOOTH AGENESIS-COLORECTAL CANCER SYNDROME. Identifiers: Orphanet 300576, MedGen C1837750, MONDO:0012075, OMIM 608615. Disease mechanism: loss of function.

Allele frequency attached by ClinVar (database versions not stated): gnomAD exomes 0.00062; gnomAD 0.00073 and 0.00076; TOPMed 0.00173; 1000 Genomes Project 0.00200; 1000 Genomes Project 30x 0.00250.
gnomAD v4.1: 198 of 283,334 alleles (0.07%); highest among the groups gnomAD compares: Admixed American, 0.84%; 1 homozygote.

Submission:

Illumina Laboratory Services, Illumina
Classification: Benign for Oligodontia-cancer predisposition syndrome. Last evaluated: 2018-01-12. Review status: criteria provided, single submitter. Criteria: ICSL Variant Classification Criteria 13 December 2019. Collection method: clinical testing. Allele origin: germline.
Comment: This variant was observed in the ICSL laboratory as part of a predisposition screen in an ostensibly healthy population. It had not been previously curated by ICSL or reported in the Human Gene Mutation Database (HGMD: prior to June 1st, 2018), and was therefore a candidate for classification through an automated scoring system. Utilizing variant allele frequency, disease prevalence and penetrance estimates, and inheritance mode, an automated score was calculated to assess if this variant is too frequent to cause the disease. Based on the score and internal cut-off values, a variant classified as benign is not then subjected to further curation. The score for this variant resulted in a classification of benign for this disease.